The following is an entry in ClinVar:

ClinVar aggregate classification (germline): Pathogenic/Likely pathogenic. Review status: criteria provided, multiple submitters, no conflicts (2 of 4 stars). 3 submissions from 3 submitters: Pathogenic (1); Likely pathogenic (1). 1 of the submissions does not count toward it. Last evaluated 2023-06-28.

Conditions:
KCNQ1-related disorder. Also called: KCNQ1-related condition; KCNQ1-related disorders. Identifiers: MedGen CN239322.
Familial long QT syndrome (RWS). Also called: Congenital long QT syndrome; Romano-Ward syndrome; VENTRICULAR FIBRILLATION WITH PROLONGED QT INTERVAL. Identifiers: Orphanet 768, MedGen C1141890, MONDO:0019171.
Long QT syndrome 1 (LQT1). Identifiers: Orphanet 101016, Orphanet 768, MedGen C4551647, MONDO:0100316, OMIM 192500, MONDO:0008646.

Submissions (3):

Molecular Diagnostic Laboratory for Inherited Cardiovascular Disease, Montreal Heart Institute
Classification: Pathogenic for Long QT syndrome 1. Last evaluated: 2023-06-28. Review status: criteria provided, single submitter. Criteria: ACMG Guidelines, 2015. Collection method: clinical testing. Allele origin: germline. Affected: yes.
Comment: ACMG: Standards and guidelines for the interpretation of sequence variants

Blueprint Genetics
Classification: Likely pathogenic for KCNQ1-related disorders. Last evaluated: 2017-12-13. Review status: criteria provided, single submitter. Criteria: ACMG Guidelines, 2015. Collection method: clinical testing. Allele origin: germline. Affected: yes. Observed: 1 variant allele.

Cardiovascular Biomedical Research Unit, Royal Brompton & Harefield NHS Foundation Trust
No classification provided. Condition: Familial long QT syndrome. Review status: no classification provided. Collection method: literature only. Allele origin: germline. Not counted in ClinVar's aggregate classification.
Comment: This variant has been reported as associated with Long QT syndrome in the following publications (PMID:21459285). This is a literature report, and does not necessarily reflect the clinical interpretation of the Imperial College / Royal Brompton Cardiovascular Genetics laboratory.

Literature cited by the submitters: PubMed 21459285 (cited by Cardiovascular Biomedical Research Unit, Royal Brompton & Harefield NHS Foundation Trust); PubMed 22581653 (cited by Cardiovascular Biomedical Research Unit, Royal Brompton & Harefield NHS Foundation Trust).

NM_000218.3(KCNQ1):c.608T>C (p.Leu203Pro)

Gene: KCNQ1 (potassium voltage-gated channel subfamily Q member 1; plus strand). Cytogenetic location: 11p15.5.
Variant type: single nucleotide variant.
Coding change: c.608T>C on transcript NM_000218.3 (MANE Select); coding-DNA position 608, T replaced by C.
Protein change: p.Leu203Pro; replaces leucine 203 with proline.
Molecular consequence: missense variant.
Genome position (GRCh38, 1-based): chr11:2,571,328, T>C. VCF-style: chr11-2571328-T-C. GRCh37 (hg19) VCF-style: chr11-2592558-T-C.
Other names: c.608T>C (LRG_287t1); c.608T>C, p.Leu203Pro (NM_001406836.1); c.338T>C, p.Leu113Pro (NM_001406837.1); c.227T>C, p.Leu76Pro (NM_181798.2); short protein forms L203P, L76P, L113P.
Identifiers: ClinVar variation 67093 (VCV000067093.7), dbSNP rs199472823, ClinGen allele CA007745.